The following is an entry in ClinVar:

NM_025179.4(PLXNA2):c.3850C>T (p.Arg1284Cys)

Gene: PLXNA2 (plexin A2; minus strand). Cytogenetic location: 1q32.2.
Variant type: single nucleotide variant.
Coding change: c.3850C>T on transcript NM_025179.4 (MANE Select); coding-DNA position 3850, C replaced by T.
Protein change: p.Arg1284Cys; replaces arginine 1284 with cysteine.
Molecular consequence: missense variant.
Genome position (GRCh38, 1-based): chr1:208,044,532, G>A on the plus strand (C>T on the coding strand, the complement: PLXNA2 is on the minus strand). VCF-style: chr1-208044532-G-A. GRCh37 (hg19) VCF-style: chr1-208217877-G-A.
Other names: short protein forms R1284C.
Identifiers: ClinVar variation 4978327 (VCV004978327.1).

ClinVar aggregate classification (germline): Uncertain significance (1 of 4 stars; one submission).

Conditions:
PLXNA2-related disorder. Also called: PLXNA2-related condition.

gnomAD v4.1: 6 of 1,613,914 alleles (0.00037%); highest among the groups gnomAD compares: Admixed American, 0.0017%; no homozygotes.

Submission:

PreventionGenetics, part of Exact Sciences
Classification: Uncertain significance for PLXNA2-related condition. Last evaluated: 2025-03-19. Review status: criteria provided, single submitter. Criteria: ACMG Guidelines, 2015. Collection method: clinical testing. Allele origin: germline.
Comment: The PLXNA2 c.3850C>T variant is predicted to result in the amino acid substitution p.Arg1284Cys. To our knowledge, this variant has not been reported in the literature. This variant is reported in 0.0029% of alleles in individuals of Latino descent in gnomAD. At this time, the clinical significance of this variant is uncertain due to the absence of conclusive functional and genetic evidence.